The following is an entry in ClinVar:

ClinVar aggregate classification (germline): Uncertain significance (1 of 4 stars; one submission).

Conditions:
Hereditary cancer-predisposing syndrome. Also called: Tumor predisposition; Hereditary neoplastic syndrome; Neoplastic Syndromes, Hereditary; Hereditary Cancer Syndrome. Identifiers: Orphanet 140162, MedGen C0027672, MeSH D009386, MONDO:0015356.

gnomAD v4.1: 1 of 1,567,472 alleles (0.000064%); highest among the groups gnomAD compares: Non-Finnish European, 0.000086%; no homozygotes.

Submission:

Ambry Genetics
Classification: Uncertain significance for Hereditary cancer-predisposing syndrome. Last evaluated: 2025-06-02. Review status: criteria provided, single submitter. Criteria: Ambry Variant Classification Scheme 2023. Collection method: clinical testing. Allele origin: germline.
Comment: The p.S461G variant (also known as c.1381A>G), located in coding exon 5 of the AXIN2 gene, results from an A to G substitution at nucleotide position 1381. The serine at codon 461 is replaced by glycine, an amino acid with similar properties. This amino acid position is conserved. In addition, the in silico prediction for this alteration is inconclusive. Based on the available evidence, the clinical significance of this variant remains unclear.

NM_004655.4(AXIN2):c.1381A>G (p.Ser461Gly)

Gene: AXIN2 (axin 2; minus strand). Cytogenetic location: 17q24.1.
Variant type: single nucleotide variant.
Coding change: c.1381A>G on transcript NM_004655.4 (MANE Select); coding-DNA position 1381, A replaced by G.
Protein change: p.Ser461Gly; replaces serine 461 with glycine.
Molecular consequence: missense variant.
Genome position (GRCh38, 1-based): chr17:65,537,655, T>C on the plus strand (A>G on the coding strand, the complement: AXIN2 is on the minus strand). VCF-style: chr17-65537655-T-C. GRCh37 (hg19) VCF-style: chr17-63533773-T-C.
Other names: c.1381A>G, p.Ser461Gly (NM_001363813.1); short protein forms S461G.
Identifiers: ClinVar variation 3981239 (VCV003981239.1).
Genomic context (GRCh38, chr17:65,537,655, plus strand): 5'-GCAGGGAGTGGTACTGCGAATGGTGGTGGTGGTGGTGGTCCGGGGAGCGGGAGCGGGGGC[T>C]ATAGCGGCCTACGCCTGGAGACTGGCAGCCAGGGGTCTTGAGGACCCTGGACAGGTGATC-3'
Protein context (NP_004646.3, residues 451-471): GCQSPGVGRY[Ser461Gly]PRSRSPDHHH